The following is an entry in ClinVar:

NM_144999.4(LRRC45):c.1495-1G>T

Gene: LRRC45 (leucine rich repeat containing 45; plus strand). Cytogenetic location: 17q25.3.
Variant type: single nucleotide variant.
Coding change: c.1495-1G>T on transcript NM_144999.4 (MANE Select); the canonical splice acceptor site of the intron before coding-DNA position 1495, G replaced by T.
Molecular consequence: splice acceptor variant.
Genome position (GRCh38, 1-based): chr17:82,030,064, G>T. VCF-style: chr17-82030064-G-T. GRCh37 (hg19) VCF-style: chr17-79987940-G-T.
Identifiers: ClinVar variation 4999259 (VCV004999259.1).
Genomic context (GRCh38, chr17:82,030,064, plus strand): 5'-ATTCCCTCAGCTGAGCTCAGGCTGAGCCCCTCATGCTTCGTGGCGGCCCCTGTGCTCACA[G>T]CAACAGCGCCTGGCTCACCTGGAGGACAAGCTGAGACTGCTGGCGCAGGCACGGGACGAG-3'

ClinVar aggregate classification (germline): Uncertain significance (1 of 4 stars; one submission).

Conditions:
LRRC45-related disorder. Also called: LRRC45-related condition.

gnomAD v4.1: 4 of 1,543,414 alleles (0.00026%); highest among the groups gnomAD compares: Non-Finnish European, 0.00035%; no homozygotes.

Submission:

PreventionGenetics, part of Exact Sciences
Classification: Uncertain significance for LRRC45-related condition. Last evaluated: 2025-07-10. Review status: criteria provided, single submitter. Criteria: ACMG Guidelines, 2015. Collection method: clinical testing. Allele origin: germline.
Comment: The LRRC45 c.1495-1G>T variant is predicted to disrupt the AG splice acceptor site and interfere with normal splicing. To our knowledge, this variant has not been reported in the literature or in a large population database (gnomAD), indicating this variant is rare. At this time, the clinical significance of this variant is uncertain due to the absence of conclusive functional and genetic evidence.